The following is an entry in ClinVar:

ClinVar aggregate classification (germline): Benign/Likely benign. Review status: criteria provided, multiple submitters, no conflicts (2 of 4 stars). 3 submissions from 3 submitters: Benign (1); Likely benign (2). Last evaluated 2025-07-29.

Conditions:
Hereditary cancer-predisposing syndrome. Also called: Tumor predisposition; Hereditary Cancer Syndrome; Hereditary neoplastic syndrome; Neoplastic Syndromes, Hereditary. Identifiers: Orphanet 140162, MedGen C0027672, MeSH D009386, MONDO:0015356.
Familial cancer of breast. Also called: BREAST CANCER, FAMILIAL; Hereditary breast cancer; hereditary breast carcinoma. Identifiers: Orphanet 227535, MedGen C0346153, MONDO:0016419, OMIM 114480. Disease mechanism: loss of function.

Submissions (3):

Labcorp Genetics (formerly Invitae), Labcorp
Classification: Likely benign for Familial cancer of breast. Last evaluated: 2025-07-29. Review status: criteria provided, single submitter. Criteria: Invitae Variant Classification Sherloc (09022015). Collection method: clinical testing. Allele origin: germline.

Myriad Genetics, Inc.
Classification: Benign for Familial cancer of breast. Last evaluated: 2025-01-21. Review status: criteria provided, single submitter. Criteria: Myriad Autosomal Dominant, Autosomal Recessive and X-Linked Classification Criteria (2023). Collection method: clinical testing. Allele origin: unknown.
Comment: This variant is considered benign. This variant is a silent/synonymous amino acid change and it is not expected to impact splicing.

Ambry Genetics
Classification: Likely benign for Hereditary cancer-predisposing syndrome. Last evaluated: 2023-07-22. Review status: criteria provided, single submitter. Criteria: Ambry Variant Classification Scheme 2023. Collection method: clinical testing. Allele origin: germline.

NM_024675.4(PALB2):c.2886G>A (p.Lys962=)

Gene: PALB2 (partner and localizer of BRCA2; minus strand). Cytogenetic location: 16p12.2.
Variant type: single nucleotide variant.
Coding change: c.2886G>A on transcript NM_024675.4 (MANE Select); coding-DNA position 2886, G replaced by A.
Protein change: p.Lys962=; no amino-acid change (lysine 962 retained).
Molecular consequence: synonymous variant. On other transcripts: intron variant (1).
Genome position (GRCh38, 1-based): chr16:23,623,079, C>T on the plus strand (G>A on the coding strand, the complement: PALB2 is on the minus strand). VCF-style: chr16-23623079-C-T. GRCh37 (hg19) VCF-style: chr16-23634400-C-T.
Other names: c.2826G>A, p.Lys942= (NM_001407296.1); c.2814G>A, p.Lys938= (NM_001407297.1); c.2834+930G>A (NM_001407300.1); c.2886G>A, p.Lys962= (NM_001407301.1, NM_001407299.1); c.2724G>A, p.Lys908= (NM_001407302.1, NM_001407298.1); c.2001G>A, p.Lys667= (NM_001407304.1, NM_001407305.1, NM_001407306.1 and 4 more transcripts); c.1839G>A, p.Lys613= (NM_001407307.1); c.1098G>A, p.Lys366= (NM_001407312.1, NM_001407313.1); and 1 more.
Identifiers: ClinVar variation 2587412 (VCV002587412.4), dbSNP rs2142336806, ClinGen allele CA494180486.